The following is an entry in ClinVar:

ClinVar aggregate classification (germline): Uncertain significance. Review status: criteria provided, multiple submitters, no conflicts (2 of 4 stars). 2 submissions from 2 submitters: Uncertain significance (2). Last evaluated 2024-03-30.

Conditions:
Inborn genetic diseases. Identifiers: MedGen C0950123, MeSH D030342.
LAMA2-related muscular dystrophy (LAMA2-RD). Also called: Laminin alpha 2-related dystrophy. Identifiers: MedGen C5679788, MONDO:0100228.

Submissions (2):

Ambry Genetics
Classification: Uncertain significance for Inborn genetic diseases. Last evaluated: 2024-03-30. Review status: criteria provided, single submitter. Criteria: Ambry Variant Classification Scheme 2023. Collection method: clinical testing. Allele origin: germline.

Labcorp Genetics (formerly Invitae), Labcorp
Classification: Uncertain significance for LAMA2-related muscular dystrophy. Last evaluated: 2021-08-27. Review status: criteria provided, single submitter. Criteria: Invitae Variant Classification Sherloc (09022015). Collection method: clinical testing. Allele origin: germline.
Comment: This sequence change replaces tyrosine with cysteine at codon 608 of the LAMA2 protein (p.Tyr608Cys). The tyrosine residue is moderately conserved and there is a large physicochemical difference between tyrosine and cysteine. This variant is not present in population databases (ExAC no frequency). This variant has not been reported in the literature in individuals affected with LAMA2-related conditions. Algorithms developed to predict the effect of missense changes on protein structure and function are either unavailable or do not agree on the potential impact of this missense change (SIFT: "Deleterious"; PolyPhen-2: "Probably Damaging"; Align-GVGD: "Class C0"). Algorithms developed to predict the effect of sequence changes on RNA splicing suggest that this variant may create or strengthen a splice site. In summary, the available evidence is currently insufficient to determine the role of this variant in disease. Therefore, it has been classified as a Variant of Uncertain Significance.

NM_000426.4(LAMA2):c.1823A>G (p.Tyr608Cys)

Gene: LAMA2 (laminin subunit alpha 2; plus strand). Cytogenetic location: 6q22.33.
Variant type: single nucleotide variant.
Coding change: c.1823A>G on transcript NM_000426.4 (MANE Select); coding-DNA position 1823, A replaced by G.
Protein change: p.Tyr608Cys; replaces tyrosine 608 with cysteine.
Molecular consequence: missense variant.
Genome position (GRCh38, 1-based): chr6:129,250,152, A>G. VCF-style: chr6-129250152-A-G. GRCh37 (hg19) VCF-style: chr6-129571297-A-G.
Other names: c.1823A>G, p.Tyr608Cys (NM_001079823.2); short protein forms Y608C.
Identifiers: ClinVar variation 858226 (VCV000858226.8), dbSNP rs1786067987, ClinGen allele CA365609543.